The following is an entry in ClinVar:

NM_000321.3(RB1):c.2124del (p.Met708fs)

Gene: RB1 (RB transcriptional corepressor 1; plus strand). Cytogenetic location: 13q14.2.
Variant type: Deletion.
Coding change: c.2124del on transcript NM_000321.3 (MANE Select); coding-DNA position 2124, one base deleted (G; older notation c.2124delG).
Protein change: p.Met708fs; shifts the reading frame from methionine 708.
Molecular consequence: frameshift variant.
Genome position (GRCh38, 1-based): chr13:48,463,748, G deleted. VCF-style (leftmost placement, unchanged base first): chr13-48463747-TG-T. GRCh37 (hg19) VCF-style: chr13-49037883-TG-T.
Other names: c.2124delG, p.Met708Ilefs (NM_001407165.1); short protein forms M708fs.
Identifiers: ClinVar variation 1786290 (VCV001786290.2), dbSNP rs2542373560, ClinGen allele CA2580087562.

ClinVar aggregate classification (germline): Pathogenic (1 of 4 stars; one submission).

Conditions:
Hereditary cancer-predisposing syndrome. Also called: Neoplastic Syndromes, Hereditary; Tumor predisposition; Hereditary Cancer Syndrome; Hereditary neoplastic syndrome. Identifiers: Orphanet 140162, MedGen C0027672, MeSH D009386, MONDO:0015356.

Submission:

Ambry Genetics
Classification: Pathogenic for Hereditary cancer-predisposing syndrome. Last evaluated: 2021-03-18. Review status: criteria provided, single submitter. Criteria: Ambry Variant Classification Scheme 2023. Collection method: clinical testing. Allele origin: germline.
Comment: The c.2124delG pathogenic mutation, located in coding exon 21 of the RB1 gene, results from a deletion of one nucleotide at nucleotide position 2124, causing a translational frameshift with a predicted alternate stop codon (p.M708Ifs*7). This alteration is expected to result in loss of function by premature protein truncation or nonsense-mediated mRNA decay. As such, this alteration is interpreted as a disease-causing mutation.